The following is an entry in ClinVar:

NM_004456.5(EZH2):c.32G>T (p.Gly11Val)

Gene: EZH2 (enhancer of zeste 2 polycomb repressive complex 2 subunit; minus strand). Cytogenetic location: 7q36.1.
Variant type: single nucleotide variant.
Coding change: c.32G>T on transcript NM_004456.5 (MANE Select); coding-DNA position 32, G replaced by T.
Protein change: p.Gly11Val; replaces glycine 11 with valine.
Molecular consequence: missense variant.
Genome position (GRCh38, 1-based): chr7:148,847,267, C>A on the plus strand (G>T on the coding strand, the complement: EZH2 is on the minus strand). VCF-style: chr7-148847267-C-A. GRCh37 (hg19) VCF-style: chr7-148544359-C-A.
Other names: c.32G>T, p.Gly11Val (NM_001203247.2, NM_001203248.2, NM_001203249.2 and 1 more transcripts); short protein forms G11V.
Identifiers: ClinVar variation 2503213 (VCV002503213.1), dbSNP rs1400051032, ClinGen allele CA369708573.

ClinVar aggregate classification (germline): Uncertain significance (1 of 4 stars; one submission).

Submission:

GeneDx
Classification: Uncertain significance. Last evaluated: 2022-11-25. Review status: criteria provided, single submitter. Criteria: GeneDx Variant Classification Process June 2021. Collection method: clinical testing. Allele origin: germline. Affected: yes.
Comment: Not observed at significant frequency in large population cohorts (gnomAD); In silico analysis supports that this missense variant does not alter protein structure/function; Has not been previously published as pathogenic or benign to our knowledge